The following is an entry in ClinVar:

ClinVar aggregate classification (germline): Uncertain significance. Review status: criteria provided, multiple submitters, no conflicts (2 of 4 stars). 2 submissions from 2 submitters: Uncertain significance (2). Last evaluated 2025-03-12.

Allele frequency attached by ClinVar (database versions not stated): ExAC 0.00001; gnomAD 0.00001; gnomAD exomes 0.00001; TOPMed 0.00001.
gnomAD v4.1: 15 of 1,613,748 alleles (0.00093%); highest among the groups gnomAD compares: South Asian, 0.0022%; no homozygotes.

Submissions (2):

Labcorp Genetics (formerly Invitae), Labcorp
Classification: Uncertain significance. Last evaluated: 2025-03-12. Review status: criteria provided, single submitter. Criteria: Invitae Variant Classification Sherloc (09022015). Collection method: clinical testing. Allele origin: germline.
Comment: This sequence change replaces serine, which is neutral and polar, with leucine, which is neutral and non-polar, at codon 628 of the MYH9 protein (p.Ser628Leu). This variant is present in population databases (rs766302946, gnomAD 0.002%). This variant has not been reported in the literature in individuals affected with MYH9-related conditions. ClinVar contains an entry for this variant (Variation ID: 1982242). Invitae Evidence Modeling of protein sequence and biophysical properties (such as structural, functional, and spatial information, amino acid conservation, physicochemical variation, residue mobility, and thermodynamic stability) indicates that this missense variant is not expected to disrupt MYH9 protein function with a negative predictive value of 95%. In summary, the available evidence is currently insufficient to determine the role of this variant in disease. Therefore, it has been classified as a Variant of Uncertain Significance.

Blueprint Genetics
Classification: Uncertain significance. Last evaluated: 2023-09-27. Review status: criteria provided, single submitter. Criteria: ACMG Guidelines, 2015. Collection method: clinical testing. Allele origin: germline.

NM_002473.6(MYH9):c.1883C>T (p.Ser628Leu)

Gene: MYH9 (myosin heavy chain 9; minus strand). Cytogenetic location: 22q12.3.
Variant type: single nucleotide variant.
Coding change: c.1883C>T on transcript NM_002473.6 (MANE Select); coding-DNA position 1883, C replaced by T.
Protein change: p.Ser628Leu; replaces serine 628 with leucine.
Molecular consequence: missense variant.
Genome position (GRCh38, 1-based): chr22:36,306,568, G>A on the plus strand (C>T on the coding strand, the complement: MYH9 is on the minus strand). VCF-style: chr22-36306568-G-A. GRCh37 (hg19) VCF-style: chr22-36702614-G-A.
Other names: short protein forms S628L.
Identifiers: ClinVar variation 1982242 (VCV001982242.5), dbSNP rs766302946, ClinGen allele CA10210149.